The following is an entry in ClinVar:

ClinVar aggregate classification (germline): Conflicting classifications of pathogenicity. Review status: criteria provided, conflicting classifications (1 of 4 stars). 10 submissions from 10 submitters: Uncertain significance (4); Likely benign (5). 1 of the submissions does not count toward it. Last evaluated 2026-01-17.

Conditions:
Hereditary cancer-predisposing syndrome. Also called: Tumor predisposition; Hereditary Cancer Syndrome; Neoplastic Syndromes, Hereditary; Hereditary neoplastic syndrome. Identifiers: Orphanet 140162, MedGen C0027672, MeSH D009386, MONDO:0015356.
Familial cancer of breast. Also called: Hereditary breast cancer; BREAST CANCER, FAMILIAL; hereditary breast carcinoma. Identifiers: Orphanet 227535, MedGen C0346153, MONDO:0016419, OMIM 114480. Disease mechanism: loss of function.
Ataxia-telangiectasia syndrome (AT). Also called: Cerebello-oculocutaneous telangiectasia; Immunodeficiency with ataxia telangiectasia; Ataxia telangiectasia (A-T); LOUIS-BAR SYNDROME; ATAXIA-TELANGIECTASIA, COMPLEMENTATION GROUP A; ATAXIA-TELANGIECTASIA, FRESNO VARIANT. Identifiers: Orphanet 100, MedGen C0004135, MONDO:0008840, OMIM 208900.

Allele frequency attached by ClinVar (database versions not stated): TOPMed 0.00004; ExAC 0.00005; gnomAD exomes 0.00005; ESP Exome Variant Server 0.00008.
gnomAD v4.1: 77 of 1,600,506 alleles (0.0048%); highest among the groups gnomAD compares: Admixed American, 0.0067%; no homozygotes.

Submissions (10):

Labcorp Genetics (formerly Invitae), Labcorp
Classification: Likely benign for Ataxia-telangiectasia syndrome. Last evaluated: 2026-01-17. Review status: criteria provided, single submitter. Criteria: Invitae Variant Classification Sherloc (09022015). Collection method: clinical testing. Allele origin: germline.

Quest Diagnostics Nichols Institute San Juan Capistrano
Classification: Uncertain significance. Last evaluated: 2025-10-08. Review status: criteria provided, single submitter. Criteria: Quest Diagnostics criteria. Collection method: clinical testing. Allele origin: unknown.

Mayo Clinic Laboratories, Mayo Clinic
Classification: Uncertain significance. Last evaluated: 2025-01-04. Review status: criteria provided, single submitter. Criteria: ACMG Guidelines, 2015. Collection method: clinical testing. Allele origin: germline. Observed: 1 variant allele.
Comment: BP4

Myriad Genetics, Inc.
Classification: Likely benign for Familial cancer of breast. Last evaluated: 2024-05-22. Review status: criteria provided, single submitter. Criteria: Myriad Autosomal Dominant, Autosomal Recessive and X-Linked Classification Criteria (2023). Collection method: clinical testing. Allele origin: unknown.
Comment: This variant is considered likely benign. This variant is intronic and is not expected to impact mRNA splicing. This variant is strongly associated with less severe personal and family histories of cancer, typical for individuals without pathogenic variants in this gene [PMID: 25085752].

GeneDx
Classification: Uncertain significance. Last evaluated: 2021-09-10. Review status: criteria provided, single submitter. Criteria: GeneDx Variant Classification Process June 2021. Collection method: clinical testing. Allele origin: germline. Affected: yes.
Comment: In-silico analysis, which includes splice predictors and evolutionary conservation, is inconclusive as to whether the variant alters gene splicing. In the absence of RNA/functional studies, the actual effect of this sequence change is unknown.; Not observed at a significant frequency in large population cohorts (Lek 2016); Has not been previously published as pathogenic or benign to our knowledge; This variant is associated with the following publications: (PMID: 12553040)

Women's Health and Genetics/Laboratory Corporation of America, LabCorp
Classification: Likely benign. Last evaluated: 2021-06-21. Review status: criteria provided, single submitter. Criteria: LabCorp Variant Classification Summary - May 2015. Collection method: clinical testing. Allele origin: germline.
Comment: Variant summary: ATM c.4109+6T>C alters a non-conserved nucleotide located close to a canonical splice site and therefore could affect mRNA splicing, leading to a significantly altered protein sequence. 4/4 computational tools predict no significant impact on normal splicing. However, these predictions have yet to be confirmed by functional studies. The variant allele was found at a frequency of 4.8e-05 in 248012 control chromosomes. This frequency is not significantly higher than expected for a pathogenic variant in ATM causing Ataxia-Telangiectasia (4.8e-05 vs 0.004), allowing no conclusion about variant significance. To our knowledge, no occurrence of c.4109+6T>C in individuals affected with Ataxia-Telangiectasia and no experimental evidence demonstrating its impact on protein function have been reported. Five clinical diagnostic laboratories have submitted clinical-significance assessments for this variant to ClinVar after 2014 without evidence for independent evaluation. Multiple laboratories reported the variant with conflicting assessments with a majority peer consensus leaning towards a likely benign outcome (n=3) (VUS, n=2). Based on the evidence outlined above, the variant was classified as likely benign.

Department of Pathology and Laboratory Medicine, Sinai Health System
Classification: Uncertain significance for Familial cancer of breast; Ataxia-telangiectasia syndrome. Last evaluated: 2019-12-24. Review status: criteria provided, single submitter. Criteria: ACMG Guidelines, 2015. Collection method: clinical testing. Allele origin: germline. Affected: no.

PreventionGenetics, part of Exact Sciences
Classification: Likely benign. Last evaluated: 2018-01-12. Review status: criteria provided, single submitter. Criteria: ACMG Guidelines, 2015. Collection method: clinical testing. Allele origin: germline.

Color Diagnostics, LLC DBA Color Health
Classification: Likely benign for Hereditary cancer-predisposing syndrome. Last evaluated: 2016-05-03. Review status: criteria provided, single submitter. Criteria: ACMG Guidelines, 2015. Collection method: clinical testing. Allele origin: germline.

Natera, Inc.
Classification: Uncertain significance for Ataxia-telangiectasia. Last evaluated: 2020-01-08. Review status: no assertion criteria provided. Collection method: clinical testing. Allele origin: germline. Not counted in ClinVar's aggregate classification.

Literature cited by the submitters: PubMed 25085752 (cited by Myriad Genetics, Inc.).

NM_000051.4(ATM):c.4109+6T>C

Gene: ATM (ATM serine/threonine kinase; plus strand). Cytogenetic location: 11q22.3.
Variant type: single nucleotide variant.
Coding change: c.4109+6T>C on transcript NM_000051.4 (MANE Select); 6 bases into the intron after coding-DNA position 4109, T replaced by C.
Molecular consequence: intron variant.
Genome position (GRCh38, 1-based): chr11:108,287,721, T>C. VCF-style: chr11-108287721-T-C. GRCh37 (hg19) VCF-style: chr11-108158448-T-C.
Other names: p.?; c.4109+6T>C (NM_001351834.2).
Identifiers: ClinVar variation 216212 (VCV000216212.23), dbSNP rs368606937, ClinGen allele CA336807.